The following is an entry in ClinVar:

NM_006642.5(SDCCAG8):c.1761G>A (p.Leu587=)

Gene: SDCCAG8 (SHH signaling and ciliogenesis regulator SDCCAG8; plus strand). Cytogenetic location: 1q43.
Variant type: single nucleotide variant.
Coding change: c.1761G>A on transcript NM_006642.5 (MANE Select); coding-DNA position 1761, G replaced by A.
Protein change: p.Leu587=; no amino-acid change (leucine 587 retained).
Molecular consequence: synonymous variant.
Genome position (GRCh38, 1-based): chr1:243,417,984, G>A. VCF-style: chr1-243417984-G-A. GRCh37 (hg19) VCF-style: chr1-243581286-G-A.
Other names: p.Leu587=; c.858G>A, p.Leu286= (NM_001350246.2, NM_001350247.2, NM_001350251.2); c.1857G>A, p.Leu619= (NM_001350248.2); c.1467G>A, p.Leu489= (NM_001350249.2); c.1857G>A (NM_001350248.1).
Identifiers: ClinVar variation 703352 (VCV000703352.23), dbSNP rs149837444, ClinGen allele CA1483734.

ClinVar aggregate classification (germline): Benign/Likely benign. Review status: criteria provided, multiple submitters, no conflicts (2 of 4 stars). 7 submissions from 7 submitters: Benign (2); Likely benign (4). 1 of the submissions does not count toward it. Last evaluated 2026-01-25.

Conditions:
SDCCAG8-related disorder. Also called: SDCCAG8-Related Disorders; SDCCAG8-related condition.
Bardet-Biedl syndrome 16 (BBS16). Identifiers: Orphanet 110, MedGen C3889474, MONDO:0014444, OMIM 615993.
Senior-Loken syndrome 7 (SLSN7). Identifiers: Orphanet 3156, MedGen C3150877, MONDO:0013326, OMIM 613615.

Allele frequency attached by ClinVar (database versions not stated): gnomAD exomes 0.00015 and 0.00050; ExAC 0.00059; ESP Exome Variant Server 0.00146; gnomAD 0.00179 and 0.00190; TOPMed 0.00191; 1000 Genomes Project 0.00200; 1000 Genomes Project 30x 0.00203.
gnomAD v4.1: 493 of 1,610,910 alleles (0.031%); highest among the groups gnomAD compares: African/African-American, 0.58%; 3 homozygotes.

Submissions (7):

Labcorp Genetics (formerly Invitae), Labcorp
Classification: Benign for Bardet-Biedl syndrome 16; Senior-Loken syndrome 7. Last evaluated: 2026-01-25. Review status: criteria provided, single submitter. Criteria: Invitae Variant Classification Sherloc (09022015). Collection method: clinical testing. Allele origin: germline.

CeGaT Center for Human Genetics Tuebingen
Classification: Likely benign. Last evaluated: 2025-10-01. Review status: criteria provided, single submitter. Criteria: CeGaT Center For Human Genetics Tuebingen Variant Classification Criteria Version 2. Collection method: clinical testing. Allele origin: germline. Affected: yes. Observed: 1 variant allele.
Comment: SDCCAG8: BP4, BP7

Mayo Clinic Laboratories, Mayo Clinic
Classification: Likely benign. Last evaluated: 2024-12-30. Review status: criteria provided, single submitter. Criteria: ACMG Guidelines, 2015. Collection method: clinical testing. Allele origin: germline. Observed: 1 variant allele.
Comment: BS1, BP4, BP7

Blueprint Genetics
Classification: Likely benign. Last evaluated: 2024-07-23. Review status: criteria provided, single submitter. Criteria: ACMG Guidelines, 2015. Collection method: clinical testing. Allele origin: germline.

Fulgent Genetics
Classification: Likely benign for Senior-Loken syndrome 7; Bardet-Biedl syndrome 16. Last evaluated: 2021-07-23. Review status: criteria provided, single submitter. Criteria: ACMG Guidelines, 2015. Collection method: clinical testing. Allele origin: unknown.

Breakthrough Genomics
Classification: Benign. Review status: criteria provided, single submitter. Criteria: ACMG Guidelines, 2015. Collection method: not provided. Allele origin: germline. Inheritance: Autosomal recessive inheritance. Affected: yes.

PreventionGenetics, part of Exact Sciences
Classification: Likely benign for SDCCAG8-related condition. Last evaluated: 2021-08-20. Review status: no assertion criteria provided. Collection method: clinical testing. Allele origin: germline. Not counted in ClinVar's aggregate classification.
Comment: This variant is classified as likely benign based on ACMG/AMP sequence variant interpretation guidelines (Richards et al. 2015 PMID: 25741868, with internal and published modifications).